The following is an entry in ClinVar:

ClinVar aggregate classification (germline): Uncertain significance. Review status: criteria provided, multiple submitters, no conflicts (2 of 4 stars). 4 submissions from 4 submitters: Uncertain significance (3). 1 of the submissions does not count toward it. Last evaluated 2026-01-21.

Conditions:
VPS13B-related disorder. Also called: VPS13B-related condition.
Inborn genetic diseases. Identifiers: MedGen C0950123, MeSH D030342.
Cohen syndrome (COH1). Also called: Cutis verticis gyrata, retinitis pigmentosa, and sensorineural deafness; PEPPER SYNDROME. Identifiers: Orphanet 193, MedGen C0265223, MONDO:0008999, OMIM 216550.

Allele frequency attached by ClinVar (database versions not stated): ExAC 0.00001.
gnomAD v4.1: 6 of 1,614,066 alleles (0.00037%); highest among the groups gnomAD compares: Admixed American, 0.01%; no homozygotes.

Submissions (4):

PreventionGenetics, part of Exact Sciences
Classification: Uncertain significance for VPS13B-related condition. Last evaluated: 2026-01-21. Review status: criteria provided, single submitter. Criteria: ACMG Guidelines, 2015. Collection method: clinical testing. Allele origin: germline.
Comment: The VPS13B c.2035A>G variant is predicted to result in the amino acid substitution p.Thr679Ala. To our knowledge, this variant has not been reported in the literature. This variant is reported in 0.017% of alleles in individuals of Latino descent in gnomAD. At this time, the clinical significance of this variant is uncertain due to the absence of conclusive functional and genetic evidence.

Labcorp Genetics (formerly Invitae), Labcorp
Classification: Uncertain significance for Cohen syndrome. Last evaluated: 2023-11-27. Review status: criteria provided, single submitter. Criteria: Invitae Variant Classification Sherloc (09022015). Collection method: clinical testing. Allele origin: germline.
Comment: This sequence change replaces threonine, which is neutral and polar, with alanine, which is neutral and non-polar, at codon 679 of the VPS13B protein (p.Thr679Ala). This variant is present in population databases (rs755151137, gnomAD 0.02%). This variant has not been reported in the literature in individuals affected with VPS13B-related conditions. ClinVar contains an entry for this variant (Variation ID: 951170). Advanced modeling of protein sequence and biophysical properties (such as structural, functional, and spatial information, amino acid conservation, physicochemical variation, residue mobility, and thermodynamic stability) performed at Invitae indicates that this missense variant is not expected to disrupt VPS13B protein function with a negative predictive value of 80%. In summary, the available evidence is currently insufficient to determine the role of this variant in disease. Therefore, it has been classified as a Variant of Uncertain Significance.

Ambry Genetics
Classification: Uncertain significance for Inborn genetic diseases. Last evaluated: 2021-08-23. Review status: criteria provided, single submitter. Criteria: Ambry Variant Classification Scheme 2023. Collection method: clinical testing. Allele origin: germline.

Natera, Inc.
Classification: Uncertain significance for Cohen syndrome. Last evaluated: 2020-03-11. Review status: no assertion criteria provided. Collection method: clinical testing. Allele origin: germline. Not counted in ClinVar's aggregate classification.

NM_152564.5(VPS13B):c.2035A>G (p.Thr679Ala)

Gene: VPS13B (vacuolar protein sorting 13 homolog B; plus strand). Cytogenetic location: 8q22.2.
Variant type: single nucleotide variant.
Coding change: c.2035A>G on transcript NM_152564.5 (MANE Select); coding-DNA position 2035, A replaced by G.
Protein change: p.Thr679Ala; replaces threonine 679 with alanine.
Molecular consequence: missense variant.
Genome position (GRCh38, 1-based): chr8:99,156,570, A>G. VCF-style: chr8-99156570-A-G. GRCh37 (hg19) VCF-style: chr8-100168798-A-G.
Other names: c.2035A>G (NM_017890.3, NM_152564.4); c.2035A>G, p.Thr679Ala (NM_015243.3, NM_017890.5); short protein forms T679A.
Identifiers: ClinVar variation 951170 (VCV000951170.12), dbSNP rs755151137, ClinGen allele CA4822817.